The following is an entry in ClinVar:

NM_024675.4(PALB2):c.2540C>T (p.Ser847Phe)

Gene: PALB2 (partner and localizer of BRCA2; minus strand). Cytogenetic location: 16p12.2.
Variant type: single nucleotide variant.
Coding change: c.2540C>T on transcript NM_024675.4 (MANE Select); coding-DNA position 2540, C replaced by T.
Protein change: p.Ser847Phe; replaces serine 847 with phenylalanine.
Molecular consequence: missense variant.
Genome position (GRCh38, 1-based): chr16:23,629,250, G>A on the plus strand (C>T on the coding strand, the complement: PALB2 is on the minus strand). VCF-style: chr16-23629250-G-A. GRCh37 (hg19) VCF-style: chr16-23640571-G-A.
Other names: short protein forms S847F.
Identifiers: ClinVar variation 830170 (VCV000830170.4), dbSNP rs1567216902, ClinGen allele CA395123810.

ClinVar aggregate classification (germline): Uncertain significance. Review status: criteria provided, multiple submitters, no conflicts (2 of 4 stars). 3 submissions from 3 submitters: Uncertain significance (2). 1 of the submissions does not count toward it. Last evaluated 2026-07-06.

Conditions:
Familial cancer of breast. Also called: Hereditary breast cancer; hereditary breast carcinoma; BREAST CANCER, FAMILIAL. Identifiers: Orphanet 227535, MedGen C0346153, MONDO:0016419, OMIM 114480. Disease mechanism: loss of function.
Hereditary cancer-predisposing syndrome. Also called: Tumor predisposition; Hereditary neoplastic syndrome; Neoplastic Syndromes, Hereditary; Hereditary Cancer Syndrome. Identifiers: Orphanet 140162, MedGen C0027672, MeSH D009386, MONDO:0015356.

Submissions (3):

Ambry Genetics
Classification: Uncertain significance for Hereditary cancer-predisposing syndrome. Last evaluated: 2026-07-06. Review status: criteria provided, single submitter. Criteria: Ambry Variant Classification Scheme 2023. Collection method: clinical testing. Allele origin: germline.
Comment: The p.S847F variant (also known as c.2540C>T), located in coding exon 6 of the PALB2 gene, results from a C to T substitution at nucleotide position 2540. The serine at codon 847 is replaced by phenylalanine, an amino acid with highly dissimilar properties. This amino acid position is conserved. In addition, this alteration is predicted to be tolerated by in silico analysis. Based on the available evidence, the clinical significance of this variant remains unclear.

Labcorp Genetics (formerly Invitae), Labcorp
Classification: Uncertain significance for Familial cancer of breast. Last evaluated: 2024-10-28. Review status: criteria provided, single submitter. Criteria: Invitae Variant Classification Sherloc (09022015). Collection method: clinical testing. Allele origin: germline.
Comment: This sequence change replaces serine, which is neutral and polar, with phenylalanine, which is neutral and non-polar, at codon 847 of the PALB2 protein (p.Ser847Phe). This variant is not present in population databases (gnomAD no frequency). This variant has not been reported in the literature in individuals affected with PALB2-related conditions. ClinVar contains an entry for this variant (Variation ID: 830170). Invitae Evidence Modeling of protein sequence and biophysical properties (such as structural, functional, and spatial information, amino acid conservation, physicochemical variation, residue mobility, and thermodynamic stability) indicates that this missense variant is not expected to disrupt PALB2 protein function with a negative predictive value of 80%. In summary, the available evidence is currently insufficient to determine the role of this variant in disease. Therefore, it has been classified as a Variant of Uncertain Significance.

Leiden Open Variation Database
Classification: Uncertain significance. Last evaluated: 2019-06-04. Review status: no assertion criteria provided. Collection method: curation. Allele origin: germline. Affected: yes. Not counted in ClinVar's aggregate classification.
Comment: Curators: Marc Tischkowitz, Arleen D. Auerbach. Submitter to LOVD: Gunnar Schmidt.